The following is an entry in ClinVar:

ClinVar aggregate classification (germline): Pathogenic (1 of 4 stars; one submission).

Conditions:
Fanconi anemia (FA). Also called: Fanconi's anemia. Identifiers: Orphanet 84, MedGen C0015625, MeSH D005199, MONDO:0019391.

Submission:

Labcorp Genetics (formerly Invitae), Labcorp
Classification: Pathogenic for Fanconi anemia. Last evaluated: 2021-09-09. Review status: criteria provided, single submitter. Criteria: Invitae Variant Classification Sherloc (09022015). Collection method: clinical testing. Allele origin: germline.
Comment: This variant is a gross deletion of the genomic region encompassing exon(s) 21-24 of the FANCD2 gene. This deletion is out-of-frame, and is expected to create a premature termination codon and result in an absent or disrupted protein product. Loss-of-function variants in FANCD2 are known to be pathogenic (PMID: 17436244). This variant has not been reported in the literature in individuals affected with FANCD2-related conditions. For these reasons, this variant has been classified as Pathogenic.

Literature cited by the submitters: PubMed 17436244.

NC_000003.11:g.(?_10105466)_(10107188_?)del

Gene: FANCD2 (FA complementation group D2; plus strand). Cytogenetic location: 3p25.3.
Variant type: Deletion.
Identifiers: ClinVar variation 1454434 (VCV001454434.5).